The following is an entry in ClinVar:

NM_001291303.3(FAT4):c.14441G>A (p.Arg4814Lys)

Gene: FAT4 (FAT atypical cadherin 4; plus strand). Cytogenetic location: 4q28.1.
Variant type: single nucleotide variant.
Coding change: c.14441G>A on transcript NM_001291303.3 (MANE Select); coding-DNA position 14441, G replaced by A.
Protein change: p.Arg4814Lys; replaces arginine 4814 with lysine.
Molecular consequence: missense variant.
Genome position (GRCh38, 1-based): chr4:125,491,257, G>A. VCF-style: chr4-125491257-G-A. GRCh37 (hg19) VCF-style: chr4-126412412-G-A.
Other names: c.14438G>A, p.Arg4813Lys (NM_001291285.3); c.14435G>A, p.Arg4812Lys (NM_024582.6); short protein forms R4812K, R4814K, R4813K.
Identifiers: ClinVar variation 521012 (VCV000521012.6), dbSNP rs756452113, ClinGen allele CA3074563.

ClinVar aggregate classification (germline): Uncertain significance. Review status: criteria provided, multiple submitters, no conflicts (2 of 4 stars). 2 submissions from 2 submitters: Uncertain significance (2). Last evaluated 2023-12-02.

Conditions:
Inborn genetic diseases. Identifiers: MedGen C0950123, MeSH D030342.

Allele frequency attached by ClinVar (database versions not stated): gnomAD 0.00001; ExAC 0.00002; gnomAD exomes 0.00002 and 0.00004; TOPMed 0.00003.
gnomAD v4.1: 13 of 1,613,972 alleles (0.00081%); highest among the groups gnomAD compares: Admixed American, 0.02%; no homozygotes.

Submissions (2):

Labcorp Genetics (formerly Invitae), Labcorp
Classification: Uncertain significance. Last evaluated: 2023-12-02. Review status: criteria provided, single submitter. Criteria: Invitae Variant Classification Sherloc (09022015). Collection method: clinical testing. Allele origin: germline.
Comment: This sequence change replaces arginine, which is basic and polar, with lysine, which is basic and polar, at codon 4812 of the FAT4 protein (p.Arg4812Lys). This variant is present in population databases (rs756452113, gnomAD 0.03%). This variant has not been reported in the literature in individuals affected with FAT4-related conditions. ClinVar contains an entry for this variant (Variation ID: 521012). Advanced modeling of protein sequence and biophysical properties (such as structural, functional, and spatial information, amino acid conservation, physicochemical variation, residue mobility, and thermodynamic stability) performed at Invitae indicates that this missense variant is not expected to disrupt FAT4 protein function with a negative predictive value of 95%. In summary, the available evidence is currently insufficient to determine the role of this variant in disease. Therefore, it has been classified as a Variant of Uncertain Significance.

Ambry Genetics
Classification: Uncertain significance for Inborn genetic diseases. Last evaluated: 2016-03-23. Review status: criteria provided, single submitter. Criteria: Ambry exome assertion method (8-5-2015). Collection method: clinical testing. Allele origin: germline. Affected: yes. Observed: 1 variant allele.